The following is an entry in ClinVar:

NM_001379451.1(BCORL1):c.1055C>T (p.Pro352Leu)

Gene: BCORL1 (BCL6 corepressor like 1; plus strand). Cytogenetic location: Xq26.1.
Variant type: single nucleotide variant.
Coding change: c.1055C>T on transcript NM_001379451.1 (MANE Select); coding-DNA position 1055, C replaced by T.
Protein change: p.Pro352Leu; replaces proline 352 with leucine.
Molecular consequence: missense variant.
Genome position (GRCh38, 1-based): chrX:130,013,827, C>T. VCF-style: chrX-130013827-C-T. GRCh37 (hg19) VCF-style: chrX-129147803-C-T.
Other names: c.1055C>T, p.Pro352Leu (NM_001184772.3, NM_001379450.1, NM_021946.5); short protein forms P352L.
Identifiers: ClinVar variation 2502083 (VCV002502083.1), dbSNP rs1929180944, ClinGen allele CA414579305.

ClinVar aggregate classification (germline): Uncertain significance (1 of 4 stars; one submission).

Allele frequency attached by ClinVar (database versions not stated): TOPMed below 0.00001.

Submission:

GeneDx
Classification: Uncertain significance. Last evaluated: 2022-11-14. Review status: criteria provided, single submitter. Criteria: GeneDx Variant Classification Process June 2021. Collection method: clinical testing. Allele origin: germline. Affected: yes.
Comment: Not observed at significant frequency in large population cohorts (gnomAD); In silico analysis supports that this missense variant does not alter protein structure/function; Has not been previously published as pathogenic or benign to our knowledge